The following is an entry in ClinVar:

NM_001909.5(CTSD):c.69-1G>A

Genes: PRADX (PRC2 and DDX5 associated lncRNA; plus strand), CTSD (cathepsin D; minus strand). Cytogenetic location: 11p15.5.
Variant type: single nucleotide variant.
Coding change: c.69-1G>A on transcript NM_001909.5 (MANE Select); the canonical splice acceptor site of the intron before coding-DNA position 69, G replaced by A.
Molecular consequence: splice acceptor variant. On other transcripts: non-coding transcript variant (1).
Genome position (GRCh38, 1-based): chr11:1,761,469, C>T on the plus strand (G>A on the coding strand, the complement: CTSD is on the minus strand). VCF-style: chr11-1761469-C-T. GRCh37 (hg19) VCF-style: chr11-1782699-C-T.
Identifiers: ClinVar variation 2892594 (VCV002892594.3), dbSNP rs2493830143, ClinGen allele CA379100177.

ClinVar aggregate classification (germline): Likely pathogenic (1 of 4 stars; one submission).

Conditions:
Neuronal ceroid lipofuscinosis. Also called: Neuronal Ceroid Lipofuscinoses. Identifiers: Orphanet 216, Orphanet 79263, MedGen C0027877, MONDO:0016295. Disease mechanism: loss of function.

Submission:

Labcorp Genetics (formerly Invitae), Labcorp
Classification: Likely pathogenic for Neuronal ceroid lipofuscinosis. Last evaluated: 2025-06-03. Review status: criteria provided, single submitter. Criteria: Invitae Variant Classification Sherloc (09022015). Collection method: clinical testing. Allele origin: germline.
Comment: This sequence change affects an acceptor splice site in intron 1 of the CTSD gene. It is expected to disrupt RNA splicing. Variants that disrupt the donor or acceptor splice site typically lead to a loss of protein function (PMID: 16199547), and loss-of-function variants in CTSD are known to be pathogenic (PMID: 16670177, 26059544). This variant is not present in population databases (gnomAD no frequency). This variant has not been reported in the literature in individuals affected with CTSD-related conditions. ClinVar contains an entry for this variant (Variation ID: 2892594). Algorithms developed to predict the effect of sequence changes on RNA splicing suggest that this variant may disrupt the consensus splice site. In summary, the currently available evidence indicates that the variant is pathogenic, but additional data are needed to prove that conclusively. Therefore, this variant has been classified as Likely Pathogenic.

Literature cited by the submitters: PubMed 16199547; PubMed 16670177; PubMed 26059544.